The following is an entry in ClinVar:

ClinVar aggregate classification (germline): Uncertain significance (1 of 4 stars; one submission).

Conditions:
Infantile neuroaxonal dystrophy (NBIA2A). Also called: NEURODEGENERATION WITH BRAIN IRON ACCUMULATION 2A; SEITELBERGER DISEASE; Infantile neuroaxonal dystrophy 1. Identifiers: Orphanet 35069, MedGen C0270724, MONDO:0024457, OMIM 256600.

Allele frequency attached by ClinVar (database versions not stated): gnomAD exomes below 0.00001.
gnomAD v4.1: 1 of 1,613,118 alleles (0.000062%); highest among the groups gnomAD compares: Admixed American, 0.0017%; no homozygotes.

Submission:

Labcorp Genetics (formerly Invitae), Labcorp
Classification: Uncertain significance for Infantile neuroaxonal dystrophy. Last evaluated: 2019-03-07. Review status: criteria provided, single submitter. Criteria: Invitae Variant Classification Sherloc (09022015). Collection method: clinical testing. Allele origin: germline.
Comment: In summary, the available evidence is currently insufficient to determine the role of this variant in disease. Therefore, it has been classified as a Variant of Uncertain Significance. Algorithms developed to predict the effect of missense changes on protein structure and function are either unavailable or do not agree on the potential impact of this missense change (SIFT: "Deleterious"; PolyPhen-2: "Possibly Damaging"; Align-GVGD: "Class C0"). This variant has not been reported in the literature in individuals with PLA2G6-related conditions. This variant is not present in population databases (ExAC no frequency). This sequence change replaces valine with phenylalanine at codon 779 of the PLA2G6 protein (p.Val779Phe). The valine residue is highly conserved and there is a small physicochemical difference between valine and phenylalanine.

NM_003560.4(PLA2G6):c.2335G>T (p.Val779Phe)

Gene: PLA2G6 (phospholipase A2 group VI; minus strand). Cytogenetic location: 22q13.1.
Variant type: single nucleotide variant.
Coding change: c.2335G>T on transcript NM_003560.4 (MANE Select); coding-DNA position 2335, G replaced by T.
Protein change: p.Val779Phe; replaces valine 779 with phenylalanine.
Molecular consequence: missense variant.
Genome position (GRCh38, 1-based): chr22:38,112,247, C>A on the plus strand (G>T on the coding strand, the complement: PLA2G6 is on the minus strand). VCF-style: chr22-38112247-C-A. GRCh37 (hg19) VCF-style: chr22-38508254-C-A.
Other names: c.2173G>T, p.Val725Phe (NM_001004426.3, NM_001199562.3, NM_001349865.2 and 1 more transcripts); c.2335G>T, p.Val779Phe (NM_001349864.2); c.1801G>T, p.Val601Phe (NM_001349867.2); c.1657G>T, p.Val553Phe (NM_001349868.2); c.1639G>T, p.Val547Phe (NM_001349869.2); short protein forms V547F, V553F, V725F, V601F, V779F.
Identifiers: ClinVar variation 853848 (VCV000853848.9), dbSNP rs1394402504, ClinGen allele CA411523142.
Genomic context (GRCh38, chr22:38,112,247, plus strand): 5'-GCTTCTGGAACTCCTCGCGGTGCTCATAGATGTAGACCTCGGTCTCCCAGAGGGCGTTGA[C>A]CAGCACTGTGTCACTGACCTCATCCAGCATGATGTCCGTCCCCAGCTGGGGGTTCAATCT-3'
Protein context (NP_003551.2, residues 769-789): MLDEVSDTVL[Val779Phe]NALWETEVYI